The following is an entry in ClinVar:

ClinVar aggregate classification (germline): Uncertain significance (1 of 4 stars; one submission).

Allele frequency attached by ClinVar (database versions not stated): ExAC 0.00001; gnomAD 0.00001; gnomAD exomes 0.00001; TOPMed 0.00002.
gnomAD v4.1: 52 of 1,613,574 alleles (0.0032%); highest among the groups gnomAD compares: South Asian, 0.0055%; no homozygotes.

Submission:

GeneDx
Classification: Uncertain significance. Last evaluated: 2025-08-11. Review status: criteria provided, single submitter. Criteria: GeneDx Variant Classification Process June 2021. Collection method: clinical testing. Allele origin: germline. Affected: yes.
Comment: Not observed at significant frequency in large population cohorts (gnomAD); In silico analysis suggests that this missense variant does not alter protein structure/function; Has not been previously published as pathogenic or benign to our knowledge

NM_002768.5(CHMP1A):c.205G>A (p.Val69Ile)

Gene: CHMP1A (charged multivesicular body protein 1A; minus strand). Cytogenetic location: 16q24.3.
Variant type: single nucleotide variant.
Coding change: c.205G>A on transcript NM_002768.5 (MANE Select); coding-DNA position 205, G replaced by A.
Protein change: p.Val69Ile; replaces valine 69 with isoleucine.
Molecular consequence: missense variant. On other transcripts: non-coding transcript variant (1).
Genome position (GRCh38, 1-based): chr16:89,649,398, C>T on the plus strand (G>A on the coding strand, the complement: CHMP1A is on the minus strand). VCF-style: chr16-89649398-C-T. GRCh37 (hg19) VCF-style: chr16-89715806-C-T.
Other names: c.185G>A, p.Arg62His (NM_001083314.4); short protein forms R62H, V69I.
Identifiers: ClinVar variation 1307096 (VCV001307096.3), dbSNP rs773029258, ClinGen allele CA8247111.